The following is an entry in ClinVar:

ClinVar aggregate classification (germline): Likely pathogenic (1 of 4 stars; one submission).

Conditions:
Pyridoxine-dependent epilepsy (EPEO4). Also called: Pyridoxine-Dependent Seizures; EPILEPSY, EARLY-ONSET, 4, VITAMIN B6-DEPENDENT; PYRIDOXINE DEPENDENCY WITH SEIZURES; Pyridoxine-Dependent Epilepsy - ALDH7A1. Identifiers: Orphanet 3006, MedGen C1849508, MONDO:0009945, OMIM 266100. Disease mechanism: loss of function.

Submission:

Labcorp Genetics (formerly Invitae), Labcorp
Classification: Likely pathogenic for Pyridoxine-dependent epilepsy. Last evaluated: 2019-06-05. Review status: criteria provided, single submitter. Criteria: Invitae Variant Classification Sherloc (09022015). Collection method: clinical testing. Allele origin: germline.
Comment: In summary, the currently available evidence indicates that the variant is pathogenic, but additional data are needed to prove that conclusively. Therefore, this variant has been classified as Likely Pathogenic. Donor and acceptor splice site variants typically lead to a loss of protein function (PMID: 16199547), and loss-of-function variants in ALDH7A1 are known to be pathogenic (PMID: 16491085). Algorithms developed to predict the effect of sequence changes on RNA splicing suggest that this variant may disrupt the consensus splice site, but this prediction has not been confirmed by published transcriptional studies. This variant has not been reported in the literature in individuals with ALDH7A1-related disease. This variant is not present in population databases (ExAC no frequency). This sequence change affects an acceptor splice site in intron 10 of the ALDH7A1 gene. It is expected to disrupt RNA splicing and likely results in an absent or disrupted protein product.

Literature cited by the submitters: PubMed 16199547; PubMed 16491085.

NM_001182.5(ALDH7A1):c.914-2A>C

Gene: ALDH7A1 (aldehyde dehydrogenase 7 family member A1; minus strand). Cytogenetic location: 5q23.2.
Variant type: single nucleotide variant.
Coding change: c.914-2A>C on transcript NM_001182.5 (MANE Select); the canonical splice acceptor site of the intron before coding-DNA position 914, A replaced by C.
Molecular consequence: splice acceptor variant.
Genome position (GRCh38, 1-based): chr5:126,559,336, T>G on the plus strand (A>C on the coding strand, the complement: ALDH7A1 is on the minus strand). VCF-style: chr5-126559336-T-G. GRCh37 (hg19) VCF-style: chr5-125895028-T-G.
Other names: c.914-2A>C (NM_001202404.2); c.830-2A>C (NM_001201377.2).
Identifiers: ClinVar variation 659324 (VCV000659324.9), dbSNP rs1581368665, ClinGen allele CA360726862.